The following is an entry in ClinVar:

ClinVar aggregate classification (germline): Pathogenic (1 of 4 stars; one submission).

Conditions:
Partial hypoxanthine-guanine phosphoribosyltransferase deficiency. Also called: GOUT, HPRT-RELATED; HPRT DEFICIENCY, PARTIAL; HYPOXANTHINE GUANINE PHOSPHORIBOSYLTRANSFERASE 1 DEFICIENCY, PARTIAL; Kelley-Seegmiller Syndrome; HPRT1 DEFICIENCY, PARTIAL. Identifiers: Orphanet 79233, MedGen C0268117, MONDO:0010299, OMIM 300323.
Lesch-Nyhan syndrome (LNS). Also called: HPRT DEFICIENCY, COMPLETE; Lesch-Nyhan Disease (LND). Identifiers: Orphanet 510, MedGen C0023374, MONDO:0010298, OMIM 300322.

Submission:

Labcorp Genetics (formerly Invitae), Labcorp
Classification: Pathogenic for Lesch-Nyhan syndrome; Partial hypoxanthine-guanine phosphoribosyltransferase deficiency. Last evaluated: 2017-12-11. Review status: criteria provided, single submitter. Criteria: Invitae Variant Classification Sherloc (09022015). Collection method: clinical testing. Allele origin: germline.
Comment: A gross deletion of the genomic region encompassing the full coding sequence of the HPRT1 gene has been identified. The boundaries of this event are unknown as the deletion extends beyond the assayed region for this gene and therefore may encompass additional genes. This variant has been detected in several individuals affected with Lesch-Nyhan disease (PMID: 11018746, 23975452). Loss-of-function variants in HPRT1 are known to be pathogenic (PMID: 15571220, 17027311, 22157001). For these reasons, this variant has been classified as Pathogenic.

Literature cited by the submitters: PubMed 23975452; PubMed 11018746.

NC_000023.11:g.(?_134460292)_(134500097_?)del

Genes: HPRT1 (hypoxanthine phosphoribosyltransferase 1; plus strand), LOC107032760 (origin of replication in promoter/intron 1 of HPRT1; plus strand), LOC129929047 (ATAC-STARR-seq lymphoblastoid silent region 21009; plus strand). Cytogenetic location: Xq26.2-26.3.
Variant type: Deletion.
Identifiers: ClinVar variation 526798 (VCV000526798.1).